The following is an entry in ClinVar:

NM_001754.5(RUNX1):c.935C>A (p.Thr312Asn)

Gene: RUNX1 (RUNX family transcription factor 1; minus strand). Cytogenetic location: 21q22.12.
Variant type: single nucleotide variant.
Coding change: c.935C>A on transcript NM_001754.5 (MANE Select); coding-DNA position 935, C replaced by A.
Protein change: p.Thr312Asn; replaces threonine 312 with asparagine.
Molecular consequence: missense variant.
Genome position (GRCh38, 1-based): chr21:34,799,333, G>T on the plus strand (C>A on the coding strand, the complement: RUNX1 is on the minus strand). VCF-style: chr21-34799333-G-T. GRCh37 (hg19) VCF-style: chr21-36171630-G-T.
Other names: NM_001754.5(RUNX1):c.935C>A; p.Thr312Asn; c.854C>A, p.Thr285Asn (NM_001001890.3); c.935C>A (NM_001754.4); short protein forms T312N, T285N.
Identifiers: ClinVar variation 1496304 (VCV001496304.8), dbSNP rs2145907659, ClinGen allele CA410149625.
Genomic context (GRCh38, chr21:34,799,333, plus strand): 5'-GCAAAGAATGTGTTTTCAAGTGGCTTACTTGAGAGTCGACTGGAAAGTTCTGCAGAGAGG[G>T]TTGTCATGCCGCTGGCACGTCCAGGTGAAATGGGCGTTGCTGGGTGCACAGAAGGAGAGG-3'
Protein context (NP_001745.2, residues 302-322): ISPGRASGMT[Thr312Asn]LSAELSSRLS

ClinVar aggregate classification (germline): Uncertain significance. Review status: reviewed by expert panel (3 of 4 stars). 3 submissions from 3 submitters: Uncertain significance (1). 2 of the submissions do not count toward it. Last evaluated 2024-07-11.

Conditions:
Hereditary thrombocytopenia and hematologic cancer predisposition syndrome. Identifiers: Orphanet 71290, MedGen CN281654, MONDO:0011071.
Hereditary thrombocytopenia and hematological cancer predisposition syndrome associated with RUNX1. Also called: RUNX1 Familial Platelet Disorder with Associated Myeloid Malignancies; Familial Platelet Disorder with Propensity to Acute Myelogenous Leukemia; Familial thrombocytopenia with propensity to acute myelogenous leukemia; PLATELET DISORDER, ASPIRIN-LIKE. Identifiers: Orphanet 71290, MedGen C1832388, MeSH C563324, MONDO:0100083, OMIM 601399.
Inborn genetic diseases. Identifiers: MedGen C0950123, MeSH D030342.

Submissions (3):

ClinGen Myeloid Malignancy Variant Curation Expert Panel
Classification: Uncertain significance for Hereditary thrombocytopenia and hematologic cancer predisposition syndrome. Last evaluated: 2024-07-11. Review status: reviewed by expert panel. Criteria: ClinGen MyeloMalig ACMG Specifications v2. Collection method: curation. Allele origin: germline. Inheritance: Autosomal dominant inheritance.
Comment: NM_001754.5(RUNX1):c.935C>A (p.Thr312Asn) is a missense variant which is not present in population databases (gnomAD v2.1 or v3.1.2) (PM2_supporting). This missense variant has a REVEL score ≤0.50 (0.064) and a SpliceAI score ≤ 0.20 (0.0) (BP4). In summary, the clinical significance of this variant is uncertain. ACMG/AMP criteria applied, as specified by the Myeloid Malignancy Variant Curation Expert Panel for RUNX1: PM2_supporting, BP4.

Ambry Genetics
Classification: Uncertain significance for Inborn genetic diseases. Last evaluated: 2025-06-22. Review status: criteria provided, single submitter. Criteria: Ambry Variant Classification Scheme 2023. Collection method: clinical testing. Allele origin: germline. Not counted in ClinVar's aggregate classification.
Comment: The p.T312N variant (also known as c.935C>A), located in coding exon 7 of the RUNX1 gene, results from a C to A substitution at nucleotide position 935. The threonine at codon 312 is replaced by asparagine, an amino acid with similar properties. This amino acid position is conserved. In addition, this alteration is predicted to be tolerated by in silico analysis. Based on the available evidence, the clinical significance of this variant remains unclear.

Labcorp Genetics (formerly Invitae), Labcorp
Classification: Uncertain significance for Hereditary thrombocytopenia and hematological cancer predisposition syndrome associated with RUNX1. Last evaluated: 2023-07-17. Review status: criteria provided, single submitter. Criteria: Invitae Variant Classification Sherloc (09022015). Collection method: clinical testing. Allele origin: germline. Not counted in ClinVar's aggregate classification.
Comment: In summary, the available evidence is currently insufficient to determine the role of this variant in disease. Therefore, it has been classified as a Variant of Uncertain Significance. Advanced modeling of protein sequence and biophysical properties (such as structural, functional, and spatial information, amino acid conservation, physicochemical variation, residue mobility, and thermodynamic stability) performed at Invitae indicates that this missense variant is not expected to disrupt RUNX1 protein function. ClinVar contains an entry for this variant (Variation ID: 1496304). This variant has not been reported in the literature in individuals affected with RUNX1-related conditions. This variant is not present in population databases (gnomAD no frequency). This sequence change replaces threonine, which is neutral and polar, with asparagine, which is neutral and polar, at codon 312 of the RUNX1 protein (p.Thr312Asn).